The following is an entry in ClinVar:

ClinVar aggregate classification (germline): Uncertain significance (1 of 4 stars; one submission).

gnomAD v4.1: 125 of 1,609,526 alleles (0.0078%); highest among the groups gnomAD compares: Non-Finnish European, 0.01%; no homozygotes.

Submission:

Mayo Clinic Laboratories, Mayo Clinic
Classification: Uncertain significance. Last evaluated: 2025-08-26. Review status: criteria provided, single submitter. Criteria: ACMG Guidelines, 2015. Collection method: clinical testing. Allele origin: germline. Observed: 2 variant alleles.
Comment: BP4_moderate

NM_001009944.3(PKD1):c.6200A>G (p.Gln2067Arg)

Gene: PKD1 (polycystin 1, transient receptor potential channel interacting; minus strand). Cytogenetic location: 16p13.3.
Variant type: single nucleotide variant.
Coding change: c.6200A>G on transcript NM_001009944.3 (MANE Select); coding-DNA position 6200, A replaced by G.
Protein change: p.Gln2067Arg; replaces glutamine 2067 with arginine.
Molecular consequence: missense variant.
Genome position (GRCh38, 1-based): chr16:2,108,967, T>C on the plus strand (A>G on the coding strand, the complement: PKD1 is on the minus strand). VCF-style: chr16-2108967-T-C. GRCh37 (hg19) VCF-style: chr16-2158968-T-C.
Other names: p.Gln2067Arg; c.6200A>G, p.Gln2067Arg (NM_000296.4); short protein forms Q2067R.
Identifiers: ClinVar variation 4541994 (VCV004541994.1).